The following is an entry in ClinVar:

ClinVar aggregate classification (germline): Likely pathogenic (1 of 4 stars; one submission).

Submission:

Mayo Clinic Laboratories, Mayo Clinic
Classification: Likely pathogenic. Last evaluated: 2025-01-20. Review status: criteria provided, single submitter. Criteria: ACMG Guidelines, 2015. Collection method: clinical testing. Allele origin: germline. Observed: 1 variant allele.
Comment: PM2_supporting, PVS1

NM_194454.3(KRIT1):c.477dup (p.Asp161fs)

Gene: KRIT1 (KRIT1 ankyrin repeat containing; minus strand). Cytogenetic location: 7q21.2.
Variant type: Duplication.
Coding change: c.477dup on transcript NM_194454.3 (MANE Select); coding-DNA position 477, one base duplicated (C; older notation c.477dupC).
Protein change: p.Asp161fs; shifts the reading frame from aspartic acid 161.
Molecular consequence: frameshift variant. On other transcripts: 5 prime UTR variant (1).
Genome position (GRCh38, 1-based): chr7:92,236,421, G duplicated on the plus strand (C on the coding strand, the reverse complement: KRIT1 is on the minus strand); the first of 2 consecutive G bases (chr7:92,236,421-92,236,422); duplicating either gives the same sequence. VCF-style (leftmost placement, unchanged base first): chr7-92236420-A-AG. GRCh37 (hg19) VCF-style: chr7-91865734-A-AG.
Other names: p.Asp161Glyfs*2; c.477dup, p.Asp161fs (NM_001013406.2, NM_001350669.1, NM_001350670.1 and 29 more transcripts); c.-107dup (NM_001350671.1); short protein forms D161fs.
Identifiers: ClinVar variation 4541304 (VCV004541304.1).
Genomic context (GRCh38, chr7:92,236,420, plus strand): 5'-ACTATAAACATGTATTTGATTAATTAAAAGATACTTCTAACGGCATTTCTTACTTATCCA[A>AG]GGCTATTAACATCCTTGCTGTAAGTGTAGCAAAATGAGTACTGGATTCACTACAGACTCG-3'